The following is an entry in ClinVar:

NM_001909.5(CTSD):c.1069A>G (p.Lys357Glu)

Gene: CTSD (cathepsin D; minus strand). Cytogenetic location: 11p15.5.
Variant type: single nucleotide variant.
Coding change: c.1069A>G on transcript NM_001909.5 (MANE Select); coding-DNA position 1069, A replaced by G.
Protein change: p.Lys357Glu; replaces lysine 357 with glutamic acid.
Molecular consequence: missense variant.
Genome position (GRCh38, 1-based): chr11:1,753,805, T>C on the plus strand (A>G on the coding strand, the complement: CTSD is on the minus strand). VCF-style: chr11-1753805-T-C. GRCh37 (hg19) VCF-style: chr11-1775035-T-C.
Other names: short protein forms K357E.
Identifiers: ClinVar variation 650032 (VCV000650032.9), dbSNP rs765270800, ClinGen allele CA5813944.

ClinVar aggregate classification (germline): Uncertain significance. Review status: criteria provided, multiple submitters, no conflicts (2 of 4 stars). 2 submissions from 2 submitters: Uncertain significance (2). Last evaluated 2021-11-23.

Conditions:
Neuronal ceroid lipofuscinosis. Also called: Neuronal Ceroid Lipofuscinoses. Identifiers: Orphanet 216, Orphanet 79263, MedGen C0027877, MONDO:0016295. Disease mechanism: loss of function.
Inborn genetic diseases. Identifiers: MedGen C0950123, MeSH D030342.

Allele frequency attached by ClinVar (database versions not stated): gnomAD exomes below 0.00001 and 0.00001; ExAC 0.00001; TOPMed 0.00001.
gnomAD v4.1: 3 of 1,613,178 alleles (0.00019%); highest among the groups gnomAD compares: Admixed American, 0.005%; no homozygotes.

Submissions (2):

Ambry Genetics
Classification: Uncertain significance for Inborn genetic diseases. Last evaluated: 2021-11-23. Review status: criteria provided, single submitter. Criteria: Ambry Variant Classification Scheme 2023. Collection method: clinical testing. Allele origin: germline.

Labcorp Genetics (formerly Invitae), Labcorp
Classification: Uncertain significance for Neuronal ceroid lipofuscinosis. Last evaluated: 2018-10-08. Review status: criteria provided, single submitter. Criteria: Invitae Variant Classification Sherloc (09022015). Collection method: clinical testing. Allele origin: germline.
Comment: This variant has not been reported in the literature in individuals with CTSD-related disease. This sequence change replaces lysine with glutamic acid at codon 357 of the CTSD protein (p.Lys357Glu). The lysine residue is highly conserved and there is a small physicochemical difference between lysine and glutamic acid. This variant is present in population databases (rs765270800, ExAC 0.009%). Algorithms developed to predict the effect of missense changes on protein structure and function are either unavailable or do not agree on the potential impact of this missense change (SIFT: "Tolerated"; PolyPhen-2: "Possibly Damaging"; Align-GVGD: "Class C0"). In summary, the available evidence is currently insufficient to determine the role of this variant in disease. Therefore, it has been classified as a Variant of Uncertain Significance.